The following is an entry in ClinVar:

ClinVar aggregate classification (germline): Pathogenic (1 of 4 stars; one submission).

Submission:

GeneDx
Classification: Pathogenic. Last evaluated: 2018-10-25. Review status: criteria provided, single submitter. Criteria: GeneDx Variant Classification (06012015). Collection method: clinical testing. Allele origin: germline. Affected: yes.
Comment: The Q369X variant in the PIEZO1 gene has not been reported previously as a pathogenic variant nor as a benign variant, to our knowledge. This variant is predicted to cause loss of normal protein function either through protein truncation or nonsense-mediated mRNA decay. The Q369X variant is not observed in large population cohorts (Lek et al., 2016). We interpret Q369X as a pathogenic variant.

NM_001142864.4(PIEZO1):c.1105C>T (p.Gln369Ter)

Genes: PIEZO1 (piezo type mechanosensitive ion channel component 1; minus strand), LOC100289580 (uncharacterized LOC100289580; plus strand). Cytogenetic location: 16q24.3.
Variant type: single nucleotide variant.
Coding change: c.1105C>T on transcript NM_001142864.4 (MANE Select); coding-DNA position 1105, C replaced by T.
Protein change: p.Gln369Ter; replaces glutamine 369 with a stop codon.
Molecular consequence: nonsense.
Genome position (GRCh38, 1-based): chr16:88,737,730, G>A on the plus strand (C>T on the coding strand, the complement: PIEZO1 is on the minus strand). VCF-style: chr16-88737730-G-A. GRCh37 (hg19) VCF-style: chr16-88804138-G-A.
Other names: c.1105C>T, p.Gln369Ter (LRG_1137t1); short protein forms Q369*.
Identifiers: ClinVar variation 620419 (VCV000620419.1), dbSNP rs1567675655, ClinGen allele CA397120519.